The following is an entry in ClinVar:

NM_018112.3(TMEM38B):c.454G>A (p.Gly152Ser)

Gene: TMEM38B (transmembrane protein 38B; plus strand). Cytogenetic location: 9q31.2.
Variant type: single nucleotide variant.
Coding change: c.454G>A on transcript NM_018112.3 (MANE Select); coding-DNA position 454, G replaced by A.
Protein change: p.Gly152Ser; replaces glycine 152 with serine.
Molecular consequence: missense variant.
Genome position (GRCh38, 1-based): chr9:105,721,721, G>A. VCF-style: chr9-105721721-G-A. GRCh37 (hg19) VCF-style: chr9-108484002-G-A.
Other names: short protein forms G152S.
Identifiers: ClinVar variation 3610977 (VCV003610977.3).

ClinVar aggregate classification (germline): Conflicting classifications of pathogenicity. Review status: criteria provided, conflicting classifications (1 of 4 stars). 2 submissions from 2 submitters: Likely pathogenic (1); Uncertain significance (1). Last evaluated 2025-11-13.

gnomAD v4.1: 3 of 1,605,968 alleles (0.00019%); highest among the groups gnomAD compares: Admixed American, 0.0051%; no homozygotes.

Submissions (2):

Women's Health and Genetics/Laboratory Corporation of America, LabCorp
Classification: Uncertain significance. Last evaluated: 2025-11-13. Review status: criteria provided, single submitter. Criteria: LabCorp Variant Classification Summary - May 2015. Collection method: clinical testing. Allele origin: germline.
Comment: Variant summary: TMEM38B c.454G>A (p.Gly152Ser) results in a non-conservative amino acid change in the encoded protein sequence. Algorithms developed to predict the effect of missense changes on protein structure and function are either unavailable or do not agree on the potential impact of this missense change. Several computational tools predict a significant impact on normal splicing: Two predict the variant abolishes a 5' splicing donor site. One predict the variant weakens a 5' donor site. However, these predictions have yet to be confirmed by functional studies. The variant allele was found at a frequency of 1.2e-05 in 246014 control chromosomes. The available data on variant occurrences in the general population are insufficient to allow any conclusion about variant significance. These data do not allow any conclusion about variant significance. To our knowledge, no experimental evidence demonstrating an impact on protein function has been reported. ClinVar contains an entry for this variant (Variation ID: 3610977). Based on the evidence outlined above, the variant was classified as uncertain significance.

Labcorp Genetics (formerly Invitae), Labcorp
Classification: Likely pathogenic. Last evaluated: 2025-08-25. Review status: criteria provided, single submitter. Criteria: Invitae Variant Classification Sherloc (09022015). Collection method: clinical testing. Allele origin: germline.
Comment: This sequence change replaces glycine, which is neutral and non-polar, with serine, which is neutral and polar, at codon 152 of the TMEM38B protein (p.Gly152Ser). This variant also falls at the last nucleotide of exon 3, which is part of the consensus splice site for this exon. This variant is present in population databases (rs764409345, gnomAD 0.009%). This missense change has been observed in individual(s) with osteogenesis imperfecta (internal data). ClinVar contains an entry for this variant (Variation ID: 3610977). An algorithm developed to predict the effect of missense changes on protein structure and function (PolyPhen-2) suggests that this variant is likely to be disruptive. Variants that disrupt the consensus splice site are a relatively common cause of aberrant splicing (PMID: 17576681, 9536098). Algorithms developed to predict the effect of sequence changes on RNA splicing suggest that this variant may disrupt the consensus splice site. In summary, the currently available evidence indicates that the variant is pathogenic, but additional data are needed to prove that conclusively. Therefore, this variant has been classified as Likely Pathogenic.

Literature cited by the submitters: PubMed 17576681 (cited by Labcorp Genetics (formerly Invitae), Labcorp); PubMed 9536098 (cited by Labcorp Genetics (formerly Invitae), Labcorp).